The following is an entry in ClinVar:

ClinVar aggregate classification (germline): Conflicting classifications of pathogenicity. Review status: criteria provided, conflicting classifications (1 of 4 stars). 4 submissions from 4 submitters: Uncertain significance (3); Likely benign (1). Last evaluated 2025-11-02.

Conditions:
Combined oxidative phosphorylation defect type 20. Also called: Combined oxidative phosphorylation deficiency 20. Identifiers: Orphanet 420728, MedGen C4014660, MONDO:0014397, OMIM 615917.

Allele frequency attached by ClinVar (database versions not stated): TOPMed 0.00011; gnomAD 0.00015 and 0.00011; gnomAD exomes 0.00025 and 0.00006; ExAC 0.00028; 1000 Genomes Project 0.00100; 1000 Genomes Project 30x 0.00125.
gnomAD v4.1: 124 of 1,613,804 alleles (0.0077%); highest among the groups gnomAD compares: East Asian, 0.24%; no homozygotes.

Submissions (4):

Labcorp Genetics (formerly Invitae), Labcorp
Classification: Likely benign. Last evaluated: 2025-11-02. Review status: criteria provided, single submitter. Criteria: Invitae Variant Classification Sherloc (09022015). Collection method: clinical testing. Allele origin: germline.

Mayo Clinic Laboratories, Mayo Clinic
Classification: Uncertain significance. Last evaluated: 2023-12-07. Review status: criteria provided, single submitter. Criteria: ACMG Guidelines, 2015. Collection method: clinical testing. Allele origin: germline. Observed: 1 variant allele.
Comment: BS1

Baylor Genetics
Classification: Uncertain significance for Combined oxidative phosphorylation defect type 20. Last evaluated: 2018-06-27. Review status: criteria provided, single submitter. Criteria: ACMG Guidelines, 2015. Collection method: clinical testing. Allele origin: unknown. Affected: yes.
Comment: This variant was determined to be of uncertain significance according to ACMG Guidelines, 2015 [PMID:25741868].

Breakthrough Genomics
Classification: Uncertain significance. Review status: criteria provided, single submitter. Criteria: ACMG Guidelines, 2015. Collection method: not provided. Allele origin: germline. Inheritance: Autosomal recessive inheritance. Affected: yes.

NM_020442.6(VARS2):c.736T>C (p.Cys246Arg)

Gene: VARS2 (valyl-tRNA synthetase 2, mitochondrial; plus strand). Cytogenetic location: 6p21.33.
Variant type: single nucleotide variant.
Coding change: c.736T>C on transcript NM_020442.6 (MANE Select); coding-DNA position 736, T replaced by C.
Protein change: p.Cys246Arg; replaces cysteine 246 with arginine.
Molecular consequence: missense variant.
Genome position (GRCh38, 1-based): chr6:30,916,942, T>C. VCF-style: chr6-30916942-T-C. GRCh37 (hg19) VCF-style: chr6-30884719-T-C.
Other names: p.Cys276Arg; c.316T>C, p.Cys106Arg (NM_001167733.3); c.826T>C, p.Cys276Arg (NM_001167734.2); short protein forms C106R, C246R, C276R.
Identifiers: ClinVar variation 1032686 (VCV001032686.8), dbSNP rs140184279, ClinGen allele CA3705707.